The following is an entry in ClinVar:

NM_001972.4(ELANE):c.377C>T (p.Ser126Leu)

Genes: CFD (complement factor D; plus strand), ELANE (elastase, neutrophil expressed; plus strand). Cytogenetic location: 19p13.3.
Variant type: single nucleotide variant.
Coding change: c.377C>T on transcript NM_001972.4 (MANE Select); coding-DNA position 377, C replaced by T.
Protein change: p.Ser126Leu; replaces serine 126 with leucine.
Molecular consequence: missense variant.
Genome position (GRCh38, 1-based): chr19:855,574, C>T. VCF-style: chr19-855574-C-T. GRCh37 (hg19) VCF-style: chr19-855574-C-T.
Other names: S97L; c.377C>T, p.Ser126Leu (LRG_57t1); c.377C>T (NM_001972.3); short protein forms S126L.
Identifiers: ClinVar variation 16745 (VCV000016745.30), dbSNP rs137854450, ClinGen allele CA281055.

ClinVar aggregate classification (germline): Pathogenic. Review status: criteria provided, multiple submitters, no conflicts (2 of 4 stars). 12 submissions from 12 submitters: Pathogenic (7). 5 of the submissions do not count toward it. Last evaluated 2026-10-29.

Conditions:
ELANE-related disorder. Also called: ELANE-related condition.
Neutropenia, severe congenital, 1, autosomal dominant. Identifiers: MedGen C1859966, MONDO:0042490, OMIM 202700.
Cyclical neutropenia. Also called: Cyclic hematopoiesis; Cyclic Neutropenia. Identifiers: Orphanet 2686, MedGen C0221023, MONDO:0008090, OMIM 162800, HP:0040289. Disease mechanism: loss of function.
ELANE-related disorders.

Submissions (12):

Department of Molecular Genetics, Istishari Arab Hospital
Classification: Pathogenic for Cyclical neutropenia; Neutropenia, severe congenital, 1, autosomal dominant. Last evaluated: 2026-10-29. Review status: criteria provided, single submitter. Criteria: ACMG Guidelines, 2015. Collection method: clinical testing. Allele origin: germline. Inheritance: Autosomal dominant inheritance. Affected: yes.
Comment: The ELANE variant c.377C>T, p.Ser126Leu causes an amino acid change from Ser to Leu at position 126, located in exon 4 (out of 5). The variant is not observed in the gnomAD v4.1.0 dataset. This variant has previously been reported in patients with ELANE-related disorders (PMID: 11001877, 14962902, 16079102, 16551967, 16737875, 18611981, 20582973, 22758217, 23463630, 26567890, 28492532). It is classified as pathogenic based on ACMG/AMP/ClinGen SVI guidelines.

Labcorp Genetics (formerly Invitae), Labcorp
Classification: Pathogenic for Neutropenia, severe congenital, 1, autosomal dominant; Cyclical neutropenia. Last evaluated: 2025-12-16. Review status: criteria provided, single submitter. Criteria: Invitae Variant Classification Sherloc (09022015). Collection method: clinical testing. Allele origin: germline.
Comment: This sequence change replaces serine, which is neutral and polar, with leucine, which is neutral and non-polar, at codon 126 of the ELANE protein (p.Ser126Leu). This variant is not present in population databases (gnomAD no frequency). This missense change has been observed in individuals with cyclic neutropenia and severe congenital neutropenia (PMID: 11001877, 14962902, 16079102, 16737875, 18611981, 20582973, 22758217, 23463630). It has also been observed to segregate with disease in related individuals. This variant is also known as p.Ser97Leu. ClinVar contains an entry for this variant (Variation ID: 16745). An algorithm developed to predict the effect of missense changes on protein structure and function outputs the following: PolyPhen-2: "Benign". The leucine amino acid residue is found in multiple mammalian species, which suggests that this missense change does not adversely affect protein function. Experimental studies are conflicting or provide insufficient evidence to determine the effect of this variant on ELANE function (PMID: 16551967, 26567890). For these reasons, this variant has been classified as Pathogenic.

Victorian Clinical Genetics Services, Murdoch Childrens Research Institute
Classification: Pathogenic for Cyclical neutropenia. Last evaluated: 2025-11-21. Review status: criteria provided, single submitter. Criteria: ACMG Guidelines, 2015. Collection method: clinical testing. Allele origin: germline. Affected: yes.
Comment: This variant is classified as Pathogenic. Evidence in support of pathogenic classification: Variant is absent from gnomAD (v2, v3 and v4); This variant has strong previous evidence of pathogenicity in unrelated individuals. It has been classified as pathogenic by multiple clinical laboratories (ClinVar). This variant has also been reported in multiple unrelated individuals with cyclic neutropenia or severe congenital neutropenia (PMID: 38840904). Evidence in support of benign classification: Same amino acid change has been observed in placental mammals. Additional information: Variant is predicted to result in a missense amino acid change from serine to leucine; This variant is heterozygous; This gene is associated with autosomal dominant disease; The mechanism of disease for this gene is not clearly established. However, haploinsufficiency is unlikely to be a mechanism of disease (PMID: 33968054, 31248972); Variants in this gene are known to have variable expressivity. The same variant can lead to either cyclic or severe congenital neutropenia (PMID: 20301705); Inheritance information for this variant is not currently available in this individual.

Institute of Medical Genetics and Applied Genomics, University Hospital Tübingen
Classification: Pathogenic for Neutropenia, severe congenital, 1, autosomal dominant. Last evaluated: 2024-09-25. Review status: criteria provided, single submitter. Criteria: ACMG Guidelines, 2015. Collection method: clinical testing. Allele origin: germline. Inheritance: Autosomal dominant inheritance. Affected: yes.

Blueprint Genetics
Classification: Pathogenic for ELANE-related disorders. Last evaluated: 2024-04-25. Review status: criteria provided, single submitter. Criteria: ACMG Guidelines, 2015. Collection method: clinical testing. Allele origin: germline. Affected: yes. Observed: 5 variant alleles.

Mendelics
Classification: Pathogenic for Cyclical neutropenia. Last evaluated: 2019-05-28. Review status: criteria provided, single submitter. Criteria: Mendelics Assertion Criteria 2017. Collection method: clinical testing. Allele origin: unknown.

ARUP Laboratories, Molecular Genetics and Genomics, ARUP Laboratories
Classification: Pathogenic. Last evaluated: 2016-12-21. Review status: criteria provided, single submitter. Criteria: ARUP Molecular Germline Variant Investigation Process. Collection method: clinical testing. Allele origin: germline.

Laboratory of Immunopathology and Genetics, Medical Laboratory of Pediatric Oncology and Hematology, Central Clinical Hospital of the Medical University of Lodz
Classification: Pathogenic for Neutropenia, severe congenital, 1, autosomal dominant. Last evaluated: 2024-12-01. Review status: no assertion criteria provided. Collection method: clinical testing. Allele origin: germline. Affected: yes. Observed: 1 variant allele. Not counted in ClinVar's aggregate classification.

PreventionGenetics, part of Exact Sciences
Classification: Pathogenic for ELANE-related condition. Last evaluated: 2024-08-01. Review status: no assertion criteria provided. Collection method: clinical testing. Allele origin: germline. Not counted in ClinVar's aggregate classification.
Comment: The ELANE c.377C>T variant is predicted to result in the amino acid substitution p.Ser126Leu. This variant is also described using legacy nomenclature as p.Ser97Leu, has been reported in multiple individuals with congenital neutropenia (Dale et al. 2000. PubMed ID: 11001877; Sera et al. 2005. PubMed ID: 16079102; Newburger et al. 2010. PubMed ID: 20582973; Wali et al. 2012. PubMed ID: 22758217; Gong et al. 2018. PubMed ID: 30386760). This variant has not been reported in a large population database, indicating this variant is rare. This variant is interpreted as pathogenic.

Department of Genetics, Sultan Qaboos University Hospital
Classification: Pathogenic for Neutropenia, severe congenital, 1, autosomal dominant. Last evaluated: 2024-06-12. Review status: no assertion criteria provided. Collection method: curation. Allele origin: unknown. Affected: yes. Not counted in ClinVar's aggregate classification.

OMIM
Classification: Pathogenic for NEUTROPENIA, SEVERE CONGENITAL, 1, AUTOSOMAL DOMINANT. Last evaluated: 2008-01-01. Review status: no assertion criteria provided. Collection method: literature only. Allele origin: germline. Not counted in ClinVar's aggregate classification.

GeneReviews
No classification provided. Condition: Cyclical neutropenia. Review status: no classification provided. Collection method: literature only. Allele origin: germline. Not counted in ClinVar's aggregate classification.

Literature cited by the submitters: PubMed 11001877 (cited by 3 submitters); PubMed 14962902 (cited by Department of Molecular Genetics, Istishari Arab Hospital and Labcorp Genetics (formerly Invitae), Labcorp); PubMed 16079102 (cited by Department of Molecular Genetics, Istishari Arab Hospital and Labcorp Genetics (formerly Invitae), Labcorp); PubMed 16551967 (cited by Department of Molecular Genetics, Istishari Arab Hospital and Labcorp Genetics (formerly Invitae), Labcorp); PubMed 16737875 (cited by Department of Molecular Genetics, Istishari Arab Hospital and Labcorp Genetics (formerly Invitae), Labcorp); PubMed 18611981 (cited by Department of Molecular Genetics, Istishari Arab Hospital and Labcorp Genetics (formerly Invitae), Labcorp); PubMed 20582973 (cited by Department of Molecular Genetics, Istishari Arab Hospital and Labcorp Genetics (formerly Invitae), Labcorp); PubMed 22758217 (cited by Department of Molecular Genetics, Istishari Arab Hospital and Labcorp Genetics (formerly Invitae), Labcorp); PubMed 23463630 (cited by Department of Molecular Genetics, Istishari Arab Hospital and Labcorp Genetics (formerly Invitae), Labcorp); PubMed 26567890 (cited by Department of Molecular Genetics, Istishari Arab Hospital and Labcorp Genetics (formerly Invitae), Labcorp); PubMed 33968054 (cited by Victorian Clinical Genetics Services, Murdoch Childrens Research Institute); PubMed 31248972 (cited by Victorian Clinical Genetics Services, Murdoch Childrens Research Institute); PubMed 20301705 (cited by Victorian Clinical Genetics Services, Murdoch Childrens Research Institute); PubMed 38840904 (cited by Victorian Clinical Genetics Services, Murdoch Childrens Research Institute); PubMed 11675333 (cited by OMIM); PubMed 18028488 (cited by OMIM).